The following is an entry in ClinVar:

ClinVar aggregate classification (germline): Uncertain significance (0 of 4 stars; one submission).

Conditions:
FH-related disorder. Also called: FH-related condition; FH-related disorders.

Submission:

PreventionGenetics, part of Exact Sciences
Classification: Uncertain significance for FH-related condition. Last evaluated: 2024-09-15. Review status: no assertion criteria provided. Collection method: clinical testing. Allele origin: germline.
Comment: The FH c.208G>T variant is predicted to result in the amino acid substitution p.Ala70Ser. To our knowledge, this variant has not been reported in the literature or in gnomAD, indicating this variant is rare. At this time, the clinical significance of this variant is uncertain due to the absence of conclusive functional and genetic evidence.

NM_000143.4(FH):c.208G>T (p.Ala70Ser)

Gene: FH (fumarate hydratase; minus strand). Cytogenetic location: 1q43.
Variant type: single nucleotide variant.
Coding change: c.208G>T on transcript NM_000143.4 (MANE Select); coding-DNA position 208, G replaced by T.
Protein change: p.Ala70Ser; replaces alanine 70 with serine.
Molecular consequence: missense variant.
Genome position (GRCh38, 1-based): chr1:241,517,241, C>A on the plus strand (G>T on the coding strand, the complement: FH is on the minus strand). VCF-style: chr1-241517241-C-A. GRCh37 (hg19) VCF-style: chr1-241680541-C-A.
Other names: short protein forms A70S.
Identifiers: ClinVar variation 3346020 (VCV003346020.1).
Genomic context (GRCh38, chr1:241,517,241, plus strand): 5'-CTGGCATGCGTTCTGTCACACCTCCAATCTTAAAGTTCATCGTAGATCTCACGGTCTGGG[C>A]GCCATAATACTTATCATTTGGCACCTTTAGTTCACCAAAGGTATCATATTCTATCCGGAA-3'
Protein context (NP_000134.2, residues 60-80): LKVPNDKYYG[Ala70Ser]QTVRSTMNFK